The following is an entry in ClinVar:

NM_014727.3(KMT2B):c.5111dup (p.Arg1705fs)

Gene: KMT2B (lysine methyltransferase 2B; plus strand). Cytogenetic location: 19q13.12.
Variant type: Duplication.
Coding change: c.5111dup on transcript NM_014727.3 (MANE Select); coding-DNA position 5111, one base duplicated (G; older notation c.5111dupG).
Protein change: p.Arg1705fs; shifts the reading frame from arginine 1705.
Molecular consequence: frameshift variant.
Genome position (GRCh38, 1-based): chr19:35,730,376, G duplicated. VCF-style (leftmost placement, unchanged base first): chr19-35730375-C-CG. GRCh37 (hg19) VCF-style: chr19-36221276-C-CG.
Other names: short protein forms R1705fs.
Identifiers: ClinVar variation 2692577 (VCV002692577.1), dbSNP rs2513345836, ClinGen allele CA2697556448.

ClinVar aggregate classification (germline): Pathogenic (1 of 4 stars; one submission).

Conditions:
Intellectual developmental disorder, autosomal dominant 68 (MRD68). Also called: MENTAL RETARDATION, AUTOSOMAL DOMINANT 68. Identifiers: MedGen C5677008, MONDO:0030969, OMIM 619934.

Submission:

Greenwood Genetic Center Diagnostic Laboratories, Greenwood Genetic Center
Classification: Pathogenic for Intellectual developmental disorder, autosomal dominant 68. Last evaluated: 2023-10-26. Review status: criteria provided, single submitter. Criteria: ACMG Guidelines, 2015. Collection method: clinical testing. Allele origin: germline. Affected: yes.
Comment: PVS1, PS2, PM2